The following is an entry in ClinVar:

NM_177438.3(DICER1):c.3260C>A (p.Ala1087Glu)

Gene: DICER1 (dicer 1, ribonuclease III; minus strand). Cytogenetic location: 14q32.13.
Variant type: single nucleotide variant.
Coding change: c.3260C>A on transcript NM_177438.3 (MANE Select); coding-DNA position 3260, C replaced by A.
Protein change: p.Ala1087Glu; replaces alanine 1087 with glutamic acid.
Molecular consequence: missense variant.
Genome position (GRCh38, 1-based): chr14:95,105,080, G>T on the plus strand (C>A on the coding strand, the complement: DICER1 is on the minus strand). VCF-style: chr14-95105080-G-T. GRCh37 (hg19) VCF-style: chr14-95571417-G-T.
Other names: c.3260C>A, p.Ala1087Glu (NM_001195573.1, NM_001271282.3, NM_001291628.2 and 1 more transcripts); short protein forms A1087E.
Identifiers: ClinVar variation 477128 (VCV000477128.14), dbSNP rs180918578, ClinGen allele CA265906990.

ClinVar aggregate classification (germline): Conflicting classifications of pathogenicity. Review status: criteria provided, conflicting classifications (1 of 4 stars). 2 submissions from 2 submitters: Uncertain significance (1); Likely benign (1). Last evaluated 2026-01-14.

Conditions:
DICER1-related tumor predisposition. Also called: DICER1-related pleuropulmonary blastoma cancer predisposition syndrome; DICER1 syndrome. Identifiers: Orphanet 284343, MedGen C3839822, MONDO:0100216.
Hereditary cancer-predisposing syndrome. Also called: Tumor predisposition; Neoplastic Syndromes, Hereditary; Hereditary Cancer Syndrome; Hereditary neoplastic syndrome. Identifiers: Orphanet 140162, MedGen C0027672, MeSH D009386, MONDO:0015356.

Allele frequency attached by ClinVar (database versions not stated): TOPMed 0.00001; 1000 Genomes Project 30x 0.00031.
gnomAD v4.1: 3 of 1,613,970 alleles (0.00019%); highest among the groups gnomAD compares: East Asian, 0.0067%; no homozygotes.

Submissions (2):

Labcorp Genetics (formerly Invitae), Labcorp
Classification: Uncertain significance for DICER1-related tumor predisposition. Last evaluated: 2026-01-14. Review status: criteria provided, single submitter. Criteria: Invitae Variant Classification Sherloc (09022015). Collection method: clinical testing. Allele origin: germline.
Comment: This sequence change replaces alanine, which is neutral and non-polar, with glutamic acid, which is acidic and polar, at codon 1087 of the DICER1 protein (p.Ala1087Glu). This variant is not present in population databases (gnomAD no frequency). This variant has not been reported in the literature in individuals affected with DICER1-related conditions. ClinVar contains an entry for this variant (Variation ID: 477128). Invitae Evidence Modeling of protein sequence and biophysical properties (such as structural, functional, and spatial information, amino acid conservation, physicochemical variation, residue mobility, and thermodynamic stability) indicates that this missense variant is not expected to disrupt DICER1 protein function with a negative predictive value of 95%. In summary, the available evidence is currently insufficient to determine the role of this variant in disease. Therefore, it has been classified as a Variant of Uncertain Significance.

Ambry Genetics
Classification: Likely benign for Hereditary cancer-predisposing syndrome. Last evaluated: 2025-06-25. Review status: criteria provided, single submitter. Criteria: Ambry Variant Classification Scheme 2023. Collection method: clinical testing. Allele origin: germline.